The following is an entry in ClinVar:

NM_198576.4(AGRN):c.183G>C (p.Gln61His)

Gene: AGRN (agrin; plus strand). Cytogenetic location: 1p36.33.
Variant type: single nucleotide variant.
Coding change: c.183G>C on transcript NM_198576.4 (MANE Select); coding-DNA position 183, G replaced by C.
Protein change: p.Gln61His; replaces glutamine 61 with histidine.
Molecular consequence: missense variant.
Genome position (GRCh38, 1-based): chr1:1,020,355, G>C. VCF-style: chr1-1020355-G-C. GRCh37 (hg19) VCF-style: chr1-955735-G-C.
Other names: c.183G>C, p.Gln61His (NM_001305275.2); short protein forms Q61H.
Identifiers: ClinVar variation 581563 (VCV000581563.49), dbSNP rs951245406, ClinGen allele CA16732819.
Genomic context (GRCh38, chr1:1,020,355, plus strand): 5'-GGAGGCGAACGTGGTGCTCACCGGGACGGTGGAGGAGATCCTCAACGTGGACCCGGTGCA[G>C]CACACGTACTCCTGCAAGGTGCGCCCACCCGGACCCCGGCCTCCCCTCGCGACGCCTGCC-3'
Protein context (NP_940978.2, residues 51-71): VEEILNVDPV[Gln61His]HTYSCKVRVW

ClinVar aggregate classification (germline): Conflicting classifications of pathogenicity. Review status: criteria provided, conflicting classifications (1 of 4 stars). 6 submissions from 6 submitters: Uncertain significance (5); Likely benign (1). Last evaluated 2025-08-01.

Conditions:
Inborn genetic diseases. Identifiers: MedGen C0950123, MeSH D030342.
Congenital myasthenic syndrome 8. Also called: Myasthenic syndrome, congenital, 8, with pre- and postsynaptic defects; MYASTHENIC SYNDROME, CONGENITAL, DUE TO AGRIN DEFICIENCY. Identifiers: Orphanet 590, MedGen C3808739, MONDO:0014052, OMIM 615120.

Allele frequency attached by ClinVar (database versions not stated): gnomAD 0.00010 and 0.00012; gnomAD exomes 0.00010; TOPMed 0.00011.
gnomAD v4.1: 133 of 1,498,706 alleles (0.0089%); highest among the groups gnomAD compares: Middle Eastern, 0.14%; no homozygotes.

Submissions (6):

Ambry Genetics
Classification: Uncertain significance for Inborn genetic diseases. Last evaluated: 2025-08-01. Review status: criteria provided, single submitter. Criteria: Ambry Variant Classification Scheme 2023. Collection method: clinical testing. Allele origin: germline.

3billion
Classification: Likely benign for Congenital myasthenic syndrome 8. Last evaluated: 2024-09-20. Review status: criteria provided, single submitter. Criteria: ACMG Guidelines, 2015. Collection method: clinical testing. Allele origin: germline. Affected: no.
Comment: The homozygous variant was found in patients diagnosed with another variant in a different gene, with no symptoms related to the gene containing the homozygous variant.

Labcorp Genetics (formerly Invitae), Labcorp
Classification: Uncertain significance for Congenital myasthenic syndrome 8. Last evaluated: 2022-10-16. Review status: criteria provided, single submitter. Criteria: Invitae Variant Classification Sherloc (09022015). Collection method: clinical testing. Allele origin: germline.
Comment: This sequence change replaces glutamine, which is neutral and polar, with histidine, which is basic and polar, at codon 61 of the AGRN protein (p.Gln61His). This variant is present in population databases (no rsID available, gnomAD 0.02%). This variant has not been reported in the literature in individuals affected with AGRN-related conditions. ClinVar contains an entry for this variant (Variation ID: 581563). Algorithms developed to predict the effect of missense changes on protein structure and function are either unavailable or do not agree on the potential impact of this missense change (SIFT: "Tolerated"; PolyPhen-2: "Not Available"; Align-GVGD: "Class C0"). In summary, the available evidence is currently insufficient to determine the role of this variant in disease. Therefore, it has been classified as a Variant of Uncertain Significance.

Breda Genetics srl
Classification: Uncertain significance for Congenital myasthenic syndrome 8. Last evaluated: 2021-09-03. Review status: criteria provided, single submitter. Criteria: ACMG Guidelines, 2015. Collection method: clinical testing. Allele origin: germline. Inheritance: Autosomal recessive inheritance. Affected: yes. Observed: 1 variant allele, 1 heterozygote.
Comment: Based on allele frequency, in-silico prediction scores and a certain overlap with the clinical phenotype, we interpreted this variant at least as of uncertain significance. The lack of one or more of the following features has discouraged further investigations: lack of a possible second hit in autosomal recessive conditions, presence of healthy controls in databases for autosomal dominant conditions, presence of unmatching cardinal clinical features in the patient or in the known gene-disease association, and/or variant type outside the known gene mutational spectrum.

CeGaT Center for Human Genetics Tuebingen
Classification: Uncertain significance. Last evaluated: 2020-06-01. Review status: criteria provided, single submitter. Criteria: CeGaT Center For Human Genetics Tuebingen Variant Classification Criteria Version 2. Collection method: clinical testing. Allele origin: germline. Affected: yes. Observed: 1 variant allele.

Breakthrough Genomics
Classification: Uncertain significance. Review status: criteria provided, single submitter. Criteria: ACMG Guidelines, 2015. Collection method: not provided. Allele origin: germline. Inheritance: Autosomal recessive inheritance. Affected: yes.